The following is an entry in ClinVar:

ClinVar aggregate classification (germline): Uncertain significance (1 of 4 stars; one submission).

Conditions:
Charcot-Marie-Tooth disease axonal type 2N (CMT2N). Also called: CHARCOT-MARIE-TOOTH DISEASE, AXONAL, AUTOSOMAL DOMINANT, TYPE 2N; CHARCOT-MARIE-TOOTH NEUROPATHY, AXONAL, TYPE 2N; Charcot-Marie-Tooth Neuropathy Type 2N. Identifiers: Orphanet 228174, MedGen C2750090, MONDO:0013212, OMIM 613287.

gnomAD v4.1: 1 of 1,614,230 alleles (0.000062%); highest among the groups gnomAD compares: Non-Finnish European, 0.000085%; no homozygotes.

Submission:

MVZ Medizinische Genetik Mainz
Classification: Uncertain significance for Charcot-Marie-Tooth disease axonal type 2N. Last evaluated: 2025-03-03. Review status: criteria provided, single submitter. Criteria: UK Practice Guidelines For Variant Classification V4 01 2020. Collection method: clinical testing. Allele origin: germline. Inheritance: Autosomal recessive inheritance. Affected: yes. Observed: 1 variant allele.
Comment: ACMG Criteria: PP3_MOD,PM2_SUP,PM3_SUP,PP4

NM_001605.3(AARS1):c.2851G>A (p.Ala951Thr)

Gene: AARS1 (alanyl-tRNA synthetase 1; minus strand). Cytogenetic location: 16q22.1.
Variant type: single nucleotide variant.
Coding change: c.2851G>A on transcript NM_001605.3 (MANE Select); coding-DNA position 2851, G replaced by A.
Protein change: p.Ala951Thr; replaces alanine 951 with threonine.
Molecular consequence: missense variant.
Genome position (GRCh38, 1-based): chr16:70,252,777, C>T on the plus strand (G>A on the coding strand, the complement: AARS1 is on the minus strand). VCF-style: chr16-70252777-C-T. GRCh37 (hg19) VCF-style: chr16-70286680-C-T.
Other names: short protein forms A951T.
Identifiers: ClinVar variation 3774579 (VCV003774579.1).